The following is an entry in ClinVar:

NM_033661.4(WDR4):c.[491A>C];[940dup]

Variant type: CompoundHeterozygote.
Identifiers: ClinVar variation 438743 (VCV000438743.3).

ClinVar aggregate classification (germline): Uncertain significance (1 of 4 stars; one submission).

Conditions:
Seckel syndrome. Also called: Microcephalic primordial dwarfism. Identifiers: Orphanet 324761, Orphanet 808, MedGen C0265202, MONDO:0019342.

Submission:

The Translational Medicine Center of Children Development and Disease, Fudan University
Classification: Uncertain significance for Seckel syndrome. Last evaluated: 2017-09-01. Review status: criteria provided, single submitter. Criteria: Submitter's publication. Collection method: clinical testing. Allele origin: inherited. Inheritance: Autosomal recessive inheritance. Affected: yes. Observed: 1 variant allele, 1 compound heterozygote.
Comment: Head circumference is not recorded but mentioned to be smaller than normal range. Scores of DQ and MI both less than 70 means abnormal development degree. The results of tandem mass, thyroid function test, cranial magnetic resonance imaging (MRI), electroencephalograph are normal.

Literature cited by the submitters: PubMed 29597095; PubMed 28617965.